The following is an entry in ClinVar:

NM_000059.4(BRCA2):c.7941A>C (p.Leu2647=)

Gene: BRCA2 (BRCA2 DNA repair associated; plus strand). Cytogenetic location: 13q13.1.
Variant type: single nucleotide variant.
Coding change: c.7941A>C on transcript NM_000059.4 (MANE Select); coding-DNA position 7941, A replaced by C.
Protein change: p.Leu2647=; no amino-acid change (leucine 2647 retained).
Molecular consequence: synonymous variant.
Genome position (GRCh38, 1-based): chr13:32,362,658, A>C. VCF-style: chr13-32362658-A-C. GRCh37 (hg19) VCF-style: chr13-32936795-A-C.
Other names: L2647L.
Identifiers: ClinVar variation 52444 (VCV000052444.14), dbSNP rs276174898, ClinGen allele CA025348.
Genomic context (GRCh38, chr13:32,362,658, plus strand): 5'-CATATGGAAACTGGCAGCTATGGAATGTGCCTTTCCTAAGGAATTTGCTAATAGATGCCT[A>C]AGCCCAGAAAGGGTGCTTCTTCAACTAAAATACAGGCAAGTTTAAAGCATTACATTACGT-3'
Protein context (NP_000050.3, residues 2637-2657): AFPKEFANRC[Leu2647=]SPERVLLQLK

ClinVar aggregate classification (germline): Likely benign. Review status: reviewed by expert panel (3 of 4 stars). 4 submissions from 4 submitters: Likely benign (1). 3 of the submissions do not count toward it. Last evaluated 2017-06-29.

Conditions:
Hereditary breast ovarian cancer syndrome. Also called: Hereditary breast and ovarian cancer syndrome; Hereditary breast and ovarian cancer; Hereditary breast and ovarian cancer syndrome (HBOC); Breast and ovarian cancer; Hereditary breast and/or ovarian cancer syndrome; BRCA1- and BRCA2-Associated Hereditary Breast and Ovarian Cancer. Identifiers: Orphanet 145, MedGen C0677776, MeSH D061325, MONDO:0003582. Disease mechanism: loss of function.
Breast-ovarian cancer, familial, susceptibility to, 2 (BROVCA2). Also called: BRCA2 Hereditary Breast and Ovarian Cancer. Identifiers: Orphanet 145, MedGen C2675520, MONDO:0012933, OMIM 612555. Disease mechanism: loss of function.
Hereditary cancer-predisposing syndrome. Also called: Neoplastic Syndromes, Hereditary; Tumor predisposition; Hereditary neoplastic syndrome; Hereditary Cancer Syndrome. Identifiers: Orphanet 140162, MedGen C0027672, MeSH D009386, MONDO:0015356.

Submissions (4):

Evidence-based Network for the Interpretation of Germline Mutant Alleles (ENIGMA)
Classification: Likely benign for Breast-ovarian cancer, familial, susceptibility to, 2. Last evaluated: 2017-06-29. Review status: reviewed by expert panel. Criteria: ENIGMA BRCA1/2 Classification Criteria (2017-06-29). Collection method: curation. Allele origin: germline.
Comment: Synonymous substitution variant, with low bioinformatic likelihood to result in a splicing aberration (Splicing prior probability 0.02).

Labcorp Genetics (formerly Invitae), Labcorp
Classification: Likely benign for Hereditary breast ovarian cancer syndrome. Last evaluated: 2023-06-04. Review status: criteria provided, single submitter. Criteria: Invitae Variant Classification Sherloc (09022015). Collection method: clinical testing. Allele origin: germline. Not counted in ClinVar's aggregate classification.

Ambry Genetics
Classification: Likely benign for Hereditary cancer-predisposing syndrome. Last evaluated: 2017-09-29. Review status: criteria provided, single submitter. Criteria: Ambry Variant Classification Scheme 2023. Collection method: clinical testing. Allele origin: germline. Not counted in ClinVar's aggregate classification.

Breast Cancer Information Core (BIC) (BRCA2)
Classification: Benign for Breast-ovarian cancer, familial 2. Last evaluated: 2010-09-18. Review status: no assertion criteria provided. Collection method: clinical testing. Allele origin: germline. Affected: yes. Observed: 1 variant allele. Not counted in ClinVar's aggregate classification.